The following is an entry in ClinVar:

ClinVar aggregate classification (germline): Likely pathogenic (1 of 4 stars; one submission).

Conditions:
Bardet-Biedl syndrome (BBS). Identifiers: Orphanet 110, MedGen C0752166, MONDO:0015229.

Allele frequency attached by ClinVar (database versions not stated): ExAC 0.00002; gnomAD 0.00002; gnomAD exomes 0.00002.
gnomAD v4.1: 37 of 1,579,926 alleles (0.0023%); highest among the groups gnomAD compares: South Asian, 0.013%; no homozygotes.

Submission:

SN ONGC Dept of Genetics and Molecular biology Vision Research Foundation
Classification: Likely pathogenic for Bardet-Biedl syndrome. Review status: criteria provided, single submitter. Criteria: ACMG Guidelines, 2015. Collection method: research. Allele origin: unknown. Affected: yes. Observed: 1 heterozygote.
Comment: This variant was observed in digenic inheritance with the variant NC_000003.11:g.121516066G>A.

NM_152522.7(ARL6IP6):c.373C>T (p.Leu125Phe)

Genes: ARL6IP6 (ARF like GTPase 6 interacting protein 6; plus strand), LOC129934936 (ATAC-STARR-seq lymphoblastoid active region 16656; plus strand). Cytogenetic location: 2q23.3.
Variant type: single nucleotide variant.
Coding change: c.373C>T on transcript NM_152522.7 (MANE Select); coding-DNA position 373, C replaced by T.
Protein change: p.Leu125Phe; replaces leucine 125 with phenylalanine.
Molecular consequence: missense variant. On other transcripts: 5 prime UTR variant (1), non-coding transcript variant (4).
Genome position (GRCh38, 1-based): chr2:152,718,997, C>T. VCF-style: chr2-152718997-C-T. GRCh37 (hg19) VCF-style: chr2-153575511-C-T.
Other names: c.-388C>T (NM_001350068.2); c.373C>T, p.Leu125Phe (NM_001371972.1); short protein forms L125F.
Identifiers: ClinVar variation 2500155 (VCV002500155.1), dbSNP rs765645541, ClinGen allele CA1915208.